The following is an entry in ClinVar:

NM_000338.3(SLC12A1):c.2296-2A>C

Gene: SLC12A1 (solute carrier family 12 member 1; plus strand). Cytogenetic location: 15q21.1.
Variant type: single nucleotide variant.
Coding change: c.2296-2A>C on transcript NM_000338.3 (MANE Select); the canonical splice acceptor site of the intron before coding-DNA position 2296, A replaced by C.
Molecular consequence: splice acceptor variant.
Genome position (GRCh38, 1-based): chr15:48,269,656, A>C. VCF-style: chr15-48269656-A-C. GRCh37 (hg19) VCF-style: chr15-48561853-A-C.
Other names: c.2296-2A>C (NM_001184832.2, NM_001384136.1).
Identifiers: ClinVar variation 2711709 (VCV002711709.3), dbSNP rs2505141958, ClinGen allele CA392315739.

ClinVar aggregate classification (germline): Likely pathogenic (1 of 4 stars; one submission).

Allele frequency attached by ClinVar (database versions not stated): gnomAD exomes below 0.00001.
gnomAD v4.1: 2 of 1,579,724 alleles (0.00013%); highest among the groups gnomAD compares: Non-Finnish European, 0.00017%; no homozygotes.

Submission:

Labcorp Genetics (formerly Invitae), Labcorp
Classification: Likely pathogenic. Last evaluated: 2023-06-11. Review status: criteria provided, single submitter. Criteria: Invitae Variant Classification Sherloc (09022015). Collection method: clinical testing. Allele origin: germline.
Comment: In summary, the currently available evidence indicates that the variant is pathogenic, but additional data are needed to prove that conclusively. Therefore, this variant has been classified as Likely Pathogenic. Algorithms developed to predict the effect of sequence changes on RNA splicing suggest that this variant may disrupt the consensus splice site. This variant has not been reported in the literature in individuals affected with SLC12A1-related conditions. This variant is not present in population databases (gnomAD no frequency). This sequence change affects an acceptor splice site in intron 18 of the SLC12A1 gene. It is expected to disrupt RNA splicing. Variants that disrupt the donor or acceptor splice site typically lead to a loss of protein function (PMID: 16199547), and loss-of-function variants in SLC12A1 are known to be pathogenic (PMID: 8640224, 9585600, 19096086).

Literature cited by the submitters: PubMed 16199547; PubMed 8640224; PubMed 9585600; PubMed 19096086.